The following is an entry in ClinVar:

ClinVar aggregate classification (germline): Uncertain significance (1 of 4 stars; one submission).

Submission:

Labcorp Genetics (formerly Invitae), Labcorp
Classification: Uncertain significance. Last evaluated: 2023-02-09. Review status: criteria provided, single submitter. Criteria: Invitae Variant Classification Sherloc (09022015). Collection method: clinical testing. Allele origin: germline.
Comment: This sequence change replaces aspartic acid, which is acidic and polar, with tyrosine, which is neutral and polar, at codon 457 of the MTOR protein (p.Asp457Tyr). This variant is not present in population databases (gnomAD no frequency). This variant has not been reported in the literature in individuals affected with MTOR-related conditions. Advanced modeling of protein sequence and biophysical properties (such as structural, functional, and spatial information, amino acid conservation, physicochemical variation, residue mobility, and thermodynamic stability) performed at Invitae indicates that this missense variant is not expected to disrupt MTOR protein function. In summary, the available evidence is currently insufficient to determine the role of this variant in disease. Therefore, it has been classified as a Variant of Uncertain Significance.

NM_004958.4(MTOR):c.1369G>T (p.Asp457Tyr)

Gene: MTOR (mechanistic target of rapamycin kinase; minus strand). Cytogenetic location: 1p36.22.
Variant type: single nucleotide variant.
Coding change: c.1369G>T on transcript NM_004958.4 (MANE Select); coding-DNA position 1369, G replaced by T.
Protein change: p.Asp457Tyr; replaces aspartic acid 457 with tyrosine.
Molecular consequence: missense variant.
Genome position (GRCh38, 1-based): chr1:11,243,157, C>A on the plus strand (G>T on the coding strand, the complement: MTOR is on the minus strand). VCF-style: chr1-11243157-C-A. GRCh37 (hg19) VCF-style: chr1-11303214-C-A.
Other names: c.1369G>T, p.Asp457Tyr (NM_001386500.1); c.121G>T, p.Asp41Tyr (NM_001386501.1); short protein forms D41Y, D457Y.
Identifiers: ClinVar variation 2835694 (VCV002835694.3), dbSNP rs1467559082, ClinGen allele CA338395983.
Genomic context (GRCh38, chr1:11,243,157, plus strand): 5'-ATAACAGAGGTGCTTACTTATGGGCGAAGTCCTTTGGGGGCAGGGCCGCTCGGATGATGT[C>A]CAGCACGCGAGGCAAATAGACCTTAAACTCAGACCTCACAGCCACAGAAAGTAGCCCCAG-3'
Protein context (NP_004949.1, residues 447-467): EFKVYLPRVL[Asp457Tyr]IIRAALPPKD